The following is an entry in ClinVar:

NM_198428.3(BBS9):c.446G>A (p.Arg149Gln)

Gene: BBS9 (Bardet-Biedl syndrome 9; plus strand). Cytogenetic location: 7p14.3.
Variant type: single nucleotide variant.
Coding change: c.446G>A on transcript NM_198428.3 (MANE Select); coding-DNA position 446, G replaced by A.
Protein change: p.Arg149Gln; replaces arginine 149 with glutamine.
Molecular consequence: missense variant. On other transcripts: non-coding transcript variant (3).
Genome position (GRCh38, 1-based): chr7:33,257,239, G>A. VCF-style: chr7-33257239-G-A. GRCh37 (hg19) VCF-style: chr7-33296851-G-A.
Other names: c.446G>A, p.Arg149Gln (NM_001033604.2, NM_001033605.2, NM_001348036.1 and 7 more transcripts); c.80G>A, p.Arg27Gln (NM_001348037.3, NM_001348044.3, NM_001348045.3 and 1 more transcripts); c.173G>A, p.Arg58Gln (NM_001348038.3, NM_001348039.3); c.311G>A, p.Arg104Gln (NM_001348042.3); short protein forms R27Q, R149Q, R104Q, R58Q.
Identifiers: ClinVar variation 2394673 (VCV002394673.5), dbSNP rs1371853094, ClinGen allele CA367252681.

ClinVar aggregate classification (germline): Uncertain significance. Review status: criteria provided, multiple submitters, no conflicts (2 of 4 stars). 2 submissions from 2 submitters: Uncertain significance (2). Last evaluated 2026-08-22.

Conditions:
BBS9-related disorder. Also called: BBS9-related condition.
Inborn genetic diseases. Identifiers: MedGen C0950123, MeSH D030342.

Allele frequency attached by ClinVar (database versions not stated): gnomAD exomes 0.00001; gnomAD 0.00003.

Submissions (2):

PreventionGenetics, part of Exact Sciences
Classification: Uncertain significance for BBS9-related condition. Last evaluated: 2026-08-22. Review status: criteria provided, single submitter. Criteria: ACMG Guidelines, 2015. Collection method: clinical testing. Allele origin: germline.
Comment: The BBS9 c.446G>A variant is predicted to result in the amino acid substitution p.Arg149Gln. To our knowledge, this variant has not been reported in the literature. This variant is reported in 0.00088% of alleles in individuals of European (Non-Finnish) descent in gnomAD. At this time, the clinical significance of this variant is uncertain due to the absence of conclusive functional and genetic evidence.

Ambry Genetics
Classification: Uncertain significance for Inborn genetic diseases. Last evaluated: 2022-03-16. Review status: criteria provided, single submitter. Criteria: Ambry Variant Classification Scheme 2023. Collection method: clinical testing. Allele origin: germline.